The following is an entry in ClinVar:

ClinVar aggregate classification (germline): Pathogenic/Likely pathogenic. Review status: criteria provided, multiple submitters, no conflicts (2 of 4 stars). 5 submissions from 5 submitters: Pathogenic (4); Likely pathogenic (1). Last evaluated 2026-01-20.

Conditions:
CHEK2-related cancer predisposition (TPDS4). Also called: TUMOR PREDISPOSITION SYNDROME 4; CANCER PREDISPOSITION SYNDROME, CHEK2-RELATED; CHEK2-related cancer susceptibility. Identifiers: Orphanet 524, MedGen C5882668, MONDO:0700271, OMIM 609265.
Hereditary cancer-predisposing syndrome. Also called: Neoplastic Syndromes, Hereditary; Hereditary Cancer Syndrome; Tumor predisposition; Hereditary neoplastic syndrome. Identifiers: Orphanet 140162, MedGen C0027672, MeSH D009386, MONDO:0015356.
Familial cancer of breast. Also called: Hereditary breast cancer; BREAST CANCER, FAMILIAL; hereditary breast carcinoma. Identifiers: Orphanet 227535, MedGen C0346153, MONDO:0016419, OMIM 114480. Disease mechanism: loss of function.

Submissions (5):

Labcorp Genetics (formerly Invitae), Labcorp
Classification: Pathogenic for Familial cancer of breast. Last evaluated: 2026-01-20. Review status: criteria provided, single submitter. Criteria: Invitae Variant Classification Sherloc (09022015). Collection method: clinical testing. Allele origin: germline.
Comment: This sequence change creates a premature translational stop signal (p.Gln330*) in the CHEK2 gene. It is expected to result in an absent or disrupted protein product. Loss-of-function variants in CHEK2 are known to be pathogenic (PMID: 21876083, 24713400). This variant is not present in population databases (gnomAD no frequency). This variant has not been reported in the literature in individuals affected with CHEK2-related conditions. ClinVar contains an entry for this variant (Variation ID: 584991). For these reasons, this variant has been classified as Pathogenic.

Myriad Genetics, Inc.
Classification: Pathogenic for Familial cancer of breast. Last evaluated: 2023-06-27. Review status: criteria provided, single submitter. Criteria: Myriad Autosomal Dominant, Autosomal Recessive and X-Linked Classification Criteria (2023). Collection method: clinical testing. Allele origin: unknown.
Comment: This variant is considered pathogenic. This variant creates a termination codon and is predicted to result in premature protein truncation.

Ambry Genetics
Classification: Pathogenic for Hereditary cancer-predisposing syndrome. Last evaluated: 2022-04-26. Review status: criteria provided, single submitter. Criteria: Ambry Variant Classification Scheme 2023. Collection method: clinical testing. Allele origin: germline.
Comment: The p.Q330* pathogenic mutation (also known as c.988C>T), located in coding exon 8 of the CHEK2 gene, results from a C to T substitution at nucleotide position 988. This changes the amino acid from a glutamine to a stop codon within coding exon 8. This alteration is expected to result in loss of function by premature protein truncation or nonsense-mediated mRNA decay. As such, this alteration is interpreted as a disease-causing mutation.

Mendelics
Classification: Pathogenic for Familial cancer of breast. Last evaluated: 2018-07-02. Review status: criteria provided, single submitter. Criteria: Mendelics Assertion Criteria 2017. Collection method: clinical testing. Allele origin: unknown.

University Health Network, Familial Cancer Clinic, Princess Margaret Cancer Centre
Classification: Likely pathogenic for CHEK2-related cancer predisposition. Review status: criteria provided, single submitter. Criteria: ACMG Guidelines, 2015. Collection method: clinical testing. Allele origin: germline. Inheritance: Autosomal dominant inheritance. Affected: yes. Observed: 2 variant alleles.

Literature cited by the submitters: PubMed 21876083 (cited by Labcorp Genetics (formerly Invitae), Labcorp); PubMed 24713400 (cited by Labcorp Genetics (formerly Invitae), Labcorp).

NM_007194.4(CHEK2):c.988C>T (p.Gln330Ter)

Gene: CHEK2 (checkpoint kinase 2; minus strand). Cytogenetic location: 22q12.1.
Variant type: single nucleotide variant.
Coding change: c.988C>T on transcript NM_007194.4 (MANE Select); coding-DNA position 988, C replaced by T.
Protein change: p.Gln330Ter; replaces glutamine 330 with a stop codon.
Molecular consequence: nonsense.
Genome position (GRCh38, 1-based): chr22:28,699,858, G>A on the plus strand (C>T on the coding strand, the complement: CHEK2 is on the minus strand). VCF-style: chr22-28699858-G-A. GRCh37 (hg19) VCF-style: chr22-29095846-G-A.
Other names: c.787C>T, p.Gln263Ter (NM_001349956.3); c.988C>T, p.Gln330Ter (NM_145862.3); c.1117C>T, p.Gln373Ter (NM_001005735.3); c.325C>T, p.Gln109Ter (NM_001257387.3); short protein forms Q330*, Q263*, Q109*, Q373*.
Identifiers: ClinVar variation 584991 (VCV000584991.14), dbSNP rs768973809, ClinGen allele CA411099480.